The following is an entry in ClinVar:

NM_201384.3(PLEC):c.9078C>T (p.Ile3026=)

Gene: PLEC (plectin; minus strand). Cytogenetic location: 8q24.3.
Variant type: single nucleotide variant.
Coding change: c.9078C>T on transcript NM_201384.3 (MANE Select); coding-DNA position 9078, C replaced by T.
Protein change: p.Ile3026=; no amino-acid change (isoleucine 3026 retained).
Molecular consequence: synonymous variant.
Genome position (GRCh38, 1-based): chr8:143,920,743, G>A on the plus strand (C>T on the coding strand, the complement: PLEC is on the minus strand). VCF-style: chr8-143920743-G-A. GRCh37 (hg19) VCF-style: chr8-144994911-G-A.
Other names: p.Ile3053=; c.9159C>T, p.Ile3053= (NM_000445.5); c.9036C>T, p.Ile3012= (NM_201378.4); c.9012C>T, p.Ile3004= (NM_201379.3); c.9489C>T, p.Ile3163= (NM_201380.4); c.8982C>T, p.Ile2994= (NM_201381.3); c.9078C>T, p.Ile3026= (NM_201382.4); c.9090C>T, p.Ile3030= (NM_201383.3).
Identifiers: ClinVar variation 539034 (VCV000539034.14), dbSNP rs201586456, ClinGen allele CA4925083.
Genomic context (GRCh38, chr8:143,920,743, plus strand): 5'-TTTCTTCAGGGCATTGTAGATACTCAGCTTCTGCCCCGCCTCCTCCAGCCATACACCCGC[G>A]ATGACGTTGGCACCCCGGAGAGCCCGCCGCACAGTGTCCACCTCGGCTACGTCTCGCACA-3'
Protein context (NP_958786.1, residues 3016-3036): VRRALRGANV[Ile3026=]AGVWLEEAGQ

ClinVar aggregate classification (germline): Likely benign. Review status: criteria provided, multiple submitters, no conflicts (2 of 4 stars). 3 submissions from 3 submitters: Likely benign (2). 1 of the submissions does not count toward it. Last evaluated 2025-12-10.

Conditions:
PLEC-related disorder. Also called: PLEC-related disorders; PLEC-related condition.
Epidermolysis bullosa simplex, Ogna type (EBS5A). Also called: Pidermolysis bullosa simplex 5A, Ogna type; EPIDERMOLYSIS BULLOSA SIMPLEX 5A, OGNA TYPE. Identifiers: Orphanet 79401, MedGen C0432317, MONDO:0007555, OMIM 131950.
Autosomal recessive limb-girdle muscular dystrophy type 2Q (LGMDR17). Also called: MUSCULAR DYSTROPHY, LIMB-GIRDLE, AUTOSOMAL RECESSIVE 17. Identifiers: Orphanet 254361, MedGen C3150989, MONDO:0013390, OMIM 613723.
Epidermolysis bullosa simplex 5C, with pyloric atresia (EBS5C). Also called: PLEC-Related Epidermolysis Bullosa with Pyloric Atresia; Epidermolysis bullosa simplex with pyloric atresia; PLEC1-Related Epidermolysis Bullosa with Pyloric Atresia. Identifiers: Orphanet 158684, MedGen C2677349, MONDO:0012807, OMIM 612138.
Epidermolysis bullosa simplex 5B, with muscular dystrophy (EBS5B). Also called: EPIDERMOLYSIS BULLOSA SIMPLEX AND LIMB-GIRDLE MUSCULAR DYSTROPHY; Epidermolysis bullosa simplex with muscular dystrophy. Identifiers: Orphanet 257, MedGen C2931072, MONDO:0009181, OMIM 226670.
Epidermolysis bullosa simplex with nail dystrophy (EBS5D). Identifiers: MedGen C4225309, MONDO:0014661, OMIM 616487.

Allele frequency attached by ClinVar (database versions not stated): 1000 Genomes Project 30x 0.00031; 1000 Genomes Project 0.00040; ESP Exome Variant Server 0.00040; TOPMed 0.00041.
gnomAD v4.1: 161 of 1,604,906 alleles (0.01%); highest among the groups gnomAD compares: African/African-American, 0.14%; 1 homozygote.

Submissions (3):

Labcorp Genetics (formerly Invitae), Labcorp
Classification: Likely benign for Autosomal recessive limb-girdle muscular dystrophy type 2Q; Epidermolysis bullosa simplex, Ogna type; Epidermolysis bullosa simplex with nail dystrophy; Epidermolysis bullosa simplex 5C, with pyloric atresia; Epidermolysis bullosa simplex 5B, with muscular dystrophy. Last evaluated: 2025-12-10. Review status: criteria provided, single submitter. Criteria: Invitae Variant Classification Sherloc (09022015). Collection method: clinical testing. Allele origin: germline.

Mayo Clinic Laboratories, Mayo Clinic
Classification: Likely benign. Last evaluated: 2025-05-23. Review status: criteria provided, single submitter. Criteria: ACMG Guidelines, 2015. Collection method: clinical testing. Allele origin: germline. Observed: 1 variant allele.
Comment: BS1, BP4, BP7

PreventionGenetics, part of Exact Sciences
Classification: Likely benign for PLEC-related condition. Last evaluated: 2019-02-28. Review status: no assertion criteria provided. Collection method: clinical testing. Allele origin: germline. Not counted in ClinVar's aggregate classification.
Comment: This variant is classified as likely benign based on ACMG/AMP sequence variant interpretation guidelines (Richards et al. 2015 PMID: 25741868, with internal and published modifications).